The following is an entry in ClinVar:

ClinVar aggregate classification (germline): Uncertain significance (1 of 4 stars; one submission).

Conditions:
Menkes kinky-hair syndrome (MNK). Also called: Classic Menkes Disease; Menkes Disease; Copper transport disease. Identifiers: Orphanet 565, MedGen C0022716, MONDO:0010651, OMIM 309400.
X-linked distal spinal muscular atrophy type 3. Also called: ATP7A-Related Distal Motor Neuropathy; SPINAL MUSCULAR ATROPHY, DISTAL, X-LINKED RECESSIVE; NEURONOPATHY, DISTAL HEREDITARY MOTOR, X-LINKED; NEUROPATHY, DISTAL HEREDITARY MOTOR, X-LINKED. Identifiers: Orphanet 139557, MedGen C1845359, MONDO:0010338, OMIM 300489.
Cutis laxa, X-linked (OHS). Also called: EDS IX; Occipital horn syndrome. Identifiers: Orphanet 198, MedGen C0268353, MONDO:0010572, OMIM 304150.

Submission:

Juno Genomics, Hangzhou Juno Genomics, Inc
Classification: Uncertain significance for X-linked distal spinal muscular atrophy type 3; Menkes kinky-hair syndrome; Cutis laxa, X-linked. Review status: criteria provided, single submitter. Criteria: ACMG Guidelines, 2015. Collection method: clinical testing. Allele origin: germline.
Comment: Absent from controls (or at extremely low frequency if recessive) in Genome Aggregation Database.;Multiple lines of computational evidence support a deleterious effect on the gene or gene product.

NM_000052.7(ATP7A):c.157G>T (p.Asp53Tyr)

Gene: ATP7A (ATPase copper transporting alpha; plus strand). Cytogenetic location: Xq21.1.
Variant type: single nucleotide variant.
Coding change: c.157G>T on transcript NM_000052.7 (MANE Select); coding-DNA position 157, G replaced by T.
Protein change: p.Asp53Tyr; replaces aspartic acid 53 with tyrosine.
Molecular consequence: missense variant.
Genome position (GRCh38, 1-based): chrX:77,988,278, G>T. VCF-style: chrX-77988278-G-T. GRCh37 (hg19) VCF-style: chrX-77243774-G-T.
Other names: c.157G>T, p.Asp53Tyr (NM_001282224.2); short protein forms D53Y.
Identifiers: ClinVar variation 5007603 (VCV005007603.2).
Genomic context (GRCh38, chrX:77,988,278, plus strand): 5'-ACTTTTGGAATTTCCTTCCAAAAGGTATCACTGGAAGAAAAAAATGCAACTATTATTTAT[G>T]ACCCTAAACTACAGACTCCAAAGACCCTACAGGAAGCTATTGATGACATGGGCTTTGATG-3'
Protein context (NP_000043.4, residues 43-63): LEEKNATIIY[Asp53Tyr]PKLQTPKTLQ